The following is an entry in ClinVar:

NM_025137.4(SPG11):c.4065dup (p.Lys1356fs)

Gene: SPG11 (SPG11 vesicle trafficking associated, spatacsin; minus strand). Cytogenetic location: 15q21.1.
Variant type: Duplication.
Coding change: c.4065dup on transcript NM_025137.4 (MANE Select); coding-DNA position 4065, one base duplicated (G; older notation c.4065dupG).
Protein change: p.Lys1356fs; shifts the reading frame from lysine 1356.
Molecular consequence: frameshift variant.
Genome position (GRCh38, 1-based): chr15:44,596,880, C duplicated on the plus strand (G on the coding strand, the reverse complement: SPG11 is on the minus strand). VCF-style (leftmost placement, unchanged base first): chr15-44596879-T-TC. GRCh37 (hg19) VCF-style: chr15-44889077-T-TC.
Other names: c.4065dup, p.Lys1356fs (NM_001160227.2, NM_001411132.1); short protein forms K1356fs.
Identifiers: ClinVar variation 2714462 (VCV002714462.3), dbSNP rs2505378271, ClinGen allele CA2697554415.

ClinVar aggregate classification (germline): Pathogenic (1 of 4 stars; one submission).

Conditions:
Hereditary spastic paraplegia 11. Also called: Spastic Paraplegia 11; Spastic paraplegia, mental retardation and thin corpus callosum; Autosomal recessive hereditary spastic paraplegia, mental impairment, and thin corpus callosum; Nakamura Osame syndrome; SPASTIC PARAPLEGIA, AUTOSOMAL RECESSIVE, COMPLICATED, WITH THIN CORPUS CALLOSUM; SPASTIC PARAPLEGIA, AUTOSOMAL RECESSIVE, WITH MENTAL IMPAIRMENT AND THIN CORPUS CALLOSUM. Identifiers: Orphanet 2822, MedGen C1858479, MONDO:0011445, OMIM 604360.

Submission:

Labcorp Genetics (formerly Invitae), Labcorp
Classification: Pathogenic for Hereditary spastic paraplegia 11. Last evaluated: 2024-01-31. Review status: criteria provided, single submitter. Criteria: Invitae Variant Classification Sherloc (09022015). Collection method: clinical testing. Allele origin: germline.
Comment: This sequence change creates a premature translational stop signal (p.Lys1356Glufs*8) in the SPG11 gene. It is expected to result in an absent or disrupted protein product. Loss-of-function variants in SPG11 are known to be pathogenic (PMID: 19105190, 20110243, 22154821, 26556829). This variant is not present in population databases (gnomAD no frequency). This variant has not been reported in the literature in individuals affected with SPG11-related conditions. For these reasons, this variant has been classified as Pathogenic.

Literature cited by the submitters: PubMed 19105190; PubMed 20110243; PubMed 22154821; PubMed 26556829.